The following is an entry in ClinVar:

NM_002336.3(LRP6):c.2463T>C (p.Leu821=)

Gene: LRP6 (LDL receptor related protein 6; minus strand). Cytogenetic location: 12p13.2.
Variant type: single nucleotide variant.
Coding change: c.2463T>C on transcript NM_002336.3 (MANE Select); coding-DNA position 2463, T replaced by C.
Protein change: p.Leu821=; no amino-acid change (leucine 821 retained).
Molecular consequence: synonymous variant.
Genome position (GRCh38, 1-based): chr12:12,159,781, A>G on the plus strand (T>C on the coding strand, the complement: LRP6 is on the minus strand). VCF-style: chr12-12159781-A-G. GRCh37 (hg19) VCF-style: chr12-12312715-A-G.
Other names: c.2463T>C (NM_002336.2).
Identifiers: ClinVar variation 1618890 (VCV001618890.10), dbSNP rs554126187, ClinGen allele CA6455461.

ClinVar aggregate classification (germline): Likely benign. Review status: criteria provided, single submitter (1 of 4 stars). 2 submissions from 2 submitters: Likely benign (1). 1 of the submissions does not count toward it. Last evaluated 2024-11-24.

Conditions:
LRP6-related disorder. Also called: LRP6-related condition.

Allele frequency attached by ClinVar (database versions not stated): TOPMed 0.00002; gnomAD 0.00003; gnomAD exomes 0.00006 and 0.00016; 1000 Genomes Project 30x 0.00016; ExAC 0.00019; 1000 Genomes Project 0.00020.
gnomAD v4.1: 91 of 1,614,034 alleles (0.0056%); highest among the groups gnomAD compares: South Asian, 0.097%; no homozygotes.

Submissions (2):

Labcorp Genetics (formerly Invitae), Labcorp
Classification: Likely benign. Last evaluated: 2024-11-24. Review status: criteria provided, single submitter. Criteria: Invitae Variant Classification Sherloc (09022015). Collection method: clinical testing. Allele origin: germline.

PreventionGenetics, part of Exact Sciences
Classification: Likely benign for LRP6-related condition. Last evaluated: 2020-03-17. Review status: no assertion criteria provided. Collection method: clinical testing. Allele origin: germline. Not counted in ClinVar's aggregate classification.
Comment: This variant is classified as likely benign based on ACMG/AMP sequence variant interpretation guidelines (Richards et al. 2015 PMID: 25741868, with internal and published modifications).